The following is an entry in ClinVar:

NM_000455.5(STK11):c.583C>G (p.Leu195Val)

Gene: STK11 (serine/threonine kinase 11; plus strand). Cytogenetic location: 19p13.3.
Variant type: single nucleotide variant.
Coding change: c.583C>G on transcript NM_000455.5 (MANE Select); coding-DNA position 583, C replaced by G.
Protein change: p.Leu195Val; replaces leucine 195 with valine.
Molecular consequence: missense variant.
Genome position (GRCh38, 1-based): chr19:1,220,491, C>G. VCF-style: chr19-1220491-C-G. GRCh37 (hg19) VCF-style: chr19-1220490-C-G.
Other names: short protein forms L195V.
Identifiers: ClinVar variation 826002 (VCV000826002.4), dbSNP rs1555738276, ClinGen allele CA402949275.

ClinVar aggregate classification (germline): Uncertain significance (1 of 4 stars; one submission).

Conditions:
Hereditary cancer-predisposing syndrome. Also called: Neoplastic Syndromes, Hereditary; Tumor predisposition; Hereditary neoplastic syndrome; Hereditary Cancer Syndrome. Identifiers: Orphanet 140162, MedGen C0027672, MeSH D009386, MONDO:0015356.

Submission:

Ambry Genetics
Classification: Uncertain significance for Hereditary cancer-predisposing syndrome. Last evaluated: 2019-06-14. Review status: criteria provided, single submitter. Criteria: Ambry Variant Classification Scheme 2023. Collection method: clinical testing. Allele origin: germline.
Comment: The p.L195V variant (also known as c.583C>G), located in coding exon 4 of the STK11 gene, results from a C to G substitution at nucleotide position 583. The leucine at codon 195 is replaced by valine, an amino acid with highly similar properties. This amino acid position is highly conserved in available vertebrate species. In addition, this alteration is predicted to be deleterious by BayesDel in silico analysis. Since supporting evidence is limited at this time, the clinical significance of this alteration remains unclear.